The following is an entry in ClinVar:

ClinVar aggregate classification (germline): Conflicting classifications of pathogenicity. Review status: criteria provided, conflicting classifications (1 of 4 stars). 2 submissions from 2 submitters: Likely pathogenic (1); Uncertain significance (1). Last evaluated 2022-08-02.

Allele frequency attached by ClinVar (database versions not stated): gnomAD 0.00001; ExAC 0.00002; TOPMed 0.00003; gnomAD exomes 0.00006.
gnomAD v4.1: 20 of 1,612,734 alleles (0.0012%); highest among the groups gnomAD compares: Admixed American, 0.032%; no homozygotes.

Submissions (2):

Labcorp Genetics (formerly Invitae), Labcorp
Classification: Uncertain significance. Last evaluated: 2022-08-02. Review status: criteria provided, single submitter. Criteria: Invitae Variant Classification Sherloc (09022015). Collection method: clinical testing. Allele origin: germline.
Comment: This sequence change replaces glutamic acid, which is acidic and polar, with glycine, which is neutral and non-polar, at codon 232 of the LRPPRC protein (p.Glu232Gly). This variant is present in population databases (rs765911841, gnomAD 0.04%). This variant has not been reported in the literature in individuals affected with LRPPRC-related conditions. ClinVar contains an entry for this variant (Variation ID: 214600). Advanced modeling of protein sequence and biophysical properties (such as structural, functional, and spatial information, amino acid conservation, physicochemical variation, residue mobility, and thermodynamic stability) performed at Invitae indicates that this missense variant is expected to disrupt LRPPRC protein function. In summary, the available evidence is currently insufficient to determine the role of this variant in disease. Therefore, it has been classified as a Variant of Uncertain Significance.

GeneDx
Classification: Likely pathogenic. Last evaluated: 2014-07-11. Review status: criteria provided, single submitter. Criteria: GeneDx Variant Classification (06012015). Collection method: clinical testing. Allele origin: germline. Affected: yes.
Comment: p.Glu232Gly (GAG>GGG): c.695 A>G in exon 6 of the LRPPRC gene (NM_133259.3). The E232G variant has not been published as a mutation, nor has it been reported as a benign polymorphism to our knowledge. The E232G variant is a non-conservative amino acid substitution, which is likely to impact secondary protein structure as these residues differ in polarity, charge, size and/or other properties. This substitution occurs at a position that is highly conserved across species. In silico analysis is inconsistent in its predictions as to whether or not the variant is damaging to the protein structure/function. Therefore, this variant is a strong candidate for a pathogenic mutation, however the possibility that it is a benign variant cannot be excluded. The variant is found in MITONUC-MITOP panel(s).

NM_133259.4(LRPPRC):c.695A>G (p.Glu232Gly)

Gene: LRPPRC (leucine rich pentatricopeptide repeat containing; minus strand). Cytogenetic location: 2p21.
Variant type: single nucleotide variant.
Coding change: c.695A>G on transcript NM_133259.4 (MANE Select); coding-DNA position 695, A replaced by G.
Protein change: p.Glu232Gly; replaces glutamic acid 232 with glycine.
Molecular consequence: missense variant.
Genome position (GRCh38, 1-based): chr2:43,976,185, T>C on the plus strand (A>G on the coding strand, the complement: LRPPRC is on the minus strand). VCF-style: chr2-43976185-T-C. GRCh37 (hg19) VCF-style: chr2-44203324-T-C.
Other names: p.E232G:GAG>GGG; short protein forms E232G.
Identifiers: ClinVar variation 214600 (VCV000214600.4), dbSNP rs765911841, ClinGen allele CA325000.
Genomic context (GRCh38, chr2:43,976,185, plus strand): 5'-CCTTAGGTTGAACATTACCCAGCTCTGGCATGCCCTGTCACAAGGGCACTGAATACTGCC[T>C]CTGTAACTGGGAGATCCTTAGTTTTCATAAATCCAAGAATCTTGCTGCAAAGGAAAAACG-3'
Protein context (NP_573566.2, residues 222-242): FMKTKDLPVT[Glu232Gly]AVFSALVTGH